The following is an entry in ClinVar:

NM_001367871.1(FBRSL1):c.826G>C (p.Gly276Arg)

Gene: FBRSL1 (fibrosin like 1; plus strand). Cytogenetic location: 12q24.33.
Variant type: single nucleotide variant.
Coding change: c.826G>C on transcript NM_001367871.1 (MANE Select); coding-DNA position 826, G replaced by C.
Protein change: p.Gly276Arg; replaces glycine 276 with arginine.
Molecular consequence: missense variant.
Genome position (GRCh38, 1-based): chr12:132,570,060, G>C. VCF-style: chr12-132570060-G-C. GRCh37 (hg19) VCF-style: chr12-133146646-G-C.
Other names: c.826G>C, p.Gly276Arg (NM_001142641.2, NM_001382739.1, NM_001382740.1); short protein forms G276R.
Identifiers: ClinVar variation 4976481 (VCV004976481.1).

ClinVar aggregate classification (germline): Uncertain significance (1 of 4 stars; one submission).

Submission:

GeneDx
Classification: Uncertain significance. Last evaluated: 2026-02-13. Review status: criteria provided, single submitter. Criteria: GeneDx Variant Classification Process June 2021. Collection method: clinical testing. Allele origin: germline.
Comment: Not observed at significant frequency in large population cohorts (gnomAD); In silico analysis suggests that this missense variant does not alter protein structure/function; Has not been previously published as pathogenic or benign to our knowledge